The following is an entry in ClinVar:

ClinVar aggregate classification (germline): Uncertain significance. Review status: criteria provided, multiple submitters, no conflicts (2 of 4 stars). 3 submissions from 3 submitters: Uncertain significance (3). Last evaluated 2022-03-18.

Conditions:
Congenital myasthenic syndrome 8. Also called: MYASTHENIC SYNDROME, CONGENITAL, DUE TO AGRIN DEFICIENCY; Myasthenic syndrome, congenital, 8, with pre- and postsynaptic defects. Identifiers: Orphanet 590, MedGen C3808739, MONDO:0014052, OMIM 615120.

Submissions (3):

Labcorp Genetics (formerly Invitae), Labcorp
Classification: Uncertain significance for Congenital myasthenic syndrome 8. Last evaluated: 2022-03-18. Review status: criteria provided, single submitter. Criteria: Invitae Variant Classification Sherloc (09022015). Collection method: clinical testing. Allele origin: germline.
Comment: This variant has not been reported in the literature in individuals affected with AGRN-related conditions. This sequence change replaces glycine, which is neutral and non-polar, with arginine, which is basic and polar, at codon 1002 of the AGRN protein (p.Gly1002Arg). The frequency data for this variant in the population databases is considered unreliable, as metrics indicate poor data quality at this position in the gnomAD database. Algorithms developed to predict the effect of missense changes on protein structure and function output the following: SIFT: "Tolerated"; PolyPhen-2: "Benign"; Align-GVGD: "Class C0". The arginine amino acid residue is found in multiple mammalian species, which suggests that this missense change does not adversely affect protein function. In summary, the available evidence is currently insufficient to determine the role of this variant in disease. Therefore, it has been classified as a Variant of Uncertain Significance.

Breakthrough Genomics
Classification: Uncertain significance. Review status: criteria provided, single submitter. Criteria: ACMG Guidelines, 2015. Collection method: not provided. Allele origin: germline. Inheritance: Autosomal recessive inheritance. Affected: yes.

Neuberg Centre For Genomic Medicine, NCGM
Classification: Uncertain significance for Congenital myasthenic syndrome 8. Review status: criteria provided, single submitter. Criteria: ACMG Guidelines, 2015. Collection method: clinical testing. Allele origin: germline. Inheritance: Autosomal recessive inheritance. Affected: yes.
Comment: The observed missense c.3004G>C (p.Gly1002Arg) variant in AGRN gene has not been reported previously as a pathogenic variant nor as a benign variant, to our knowledge. The p.Gly1002Arg variant is present with an allele frequency of 0.001% in the gnomAD exomes database. This variant has been submitted to the ClinVar database as Uncertain Significance. The amino acid Gly at position 1002 is changed to a Arg changing protein sequence and it might alter its composition and physico-chemical properties. Multiple lines of computational evidence predicts no damaging effect on protein structure and function for this variant (Sift - tolerated; Mutation Taster - Polymorphism automatic). For these reasons, this variant has been classified as a Variant of Uncertain Significance (VUS).

NM_198576.4(AGRN):c.3004G>C (p.Gly1002Arg)

Gene: AGRN (agrin; plus strand). Cytogenetic location: 1p36.33.
Variant type: single nucleotide variant.
Coding change: c.3004G>C on transcript NM_198576.4 (MANE Select); coding-DNA position 3004, G replaced by C.
Protein change: p.Gly1002Arg; replaces glycine 1002 with arginine.
Molecular consequence: missense variant.
Genome position (GRCh38, 1-based): chr1:1,046,489, G>C. VCF-style: chr1-1046489-G-C. GRCh37 (hg19) VCF-style: chr1-981869-G-C.
Other names: c.3004G>C, p.Gly1002Arg (NM_001305275.2); c.2689G>C, p.Gly897Arg (NM_001364727.2); short protein forms G1002R, G897R.
Identifiers: ClinVar variation 1385464 (VCV001385464.8), dbSNP rs757677789, ClinGen allele CA508912.